The following is an entry in ClinVar:

ClinVar aggregate classification (germline): Uncertain significance (1 of 4 stars; one submission).

Conditions:
Inborn genetic diseases. Identifiers: MedGen C0950123, MeSH D030342.

Submission:

Ambry Genetics
Classification: Uncertain significance for Inborn genetic diseases. Last evaluated: 2025-03-04. Review status: criteria provided, single submitter. Criteria: Ambry Variant Classification Scheme 2023. Collection method: clinical testing. Allele origin: germline.
Comment: The c.1733-2A>G intronic variant results from an A to G substitution two nucleotides before coding exon 13 of the SOX6 gene. Alterations that disrupt the canonical splice site are expected to result in aberrant splicing. The resulting transcript is predicted to be in-frame and is not expected to trigger nonsense-mediated mRNA decay, although direct evidence is unavailable. This variant was not reported in population-based cohorts in the Genome Aggregation Database (gnomAD). This nucleotide position is highly conserved in available vertebrate species. In silico splice site analysis predicts that this alteration will weaken the native splice acceptor site. Based on insufficient or conflicting evidence, the clinical significance of this alteration remains unclear.

NM_001367873.1(SOX6):c.1791A>G (p.Thr597=)

Gene: SOX6 (SRY-box transcription factor 6; minus strand). Cytogenetic location: 11p15.2.
Variant type: single nucleotide variant.
Coding change: c.1791A>G on transcript NM_001367873.1 (MANE Select); coding-DNA position 1791, A replaced by G.
Protein change: p.Thr597=; no amino-acid change (threonine 597 retained).
Molecular consequence: synonymous variant. On other transcripts: splice acceptor variant (1).
Genome position (GRCh38, 1-based): chr11:15,989,172, T>C on the plus strand (A>G on the coding strand, the complement: SOX6 is on the minus strand). VCF-style: chr11-15989172-T-C. GRCh37 (hg19) VCF-style: chr11-16010718-T-C.
Other names: c.1710A>G, p.Thr570= (NM_001145811.2, NM_017508.3); c.1791A>G, p.Thr597= (NM_001145819.2); c.1668A>G, p.Thr556= (NM_001367872.1); c.1733-2A>G (NM_033326.3).
Identifiers: ClinVar variation 3800024 (VCV003800024.1).